The following is an entry in ClinVar:

NM_021803.4(IL21):c.344G>A (p.Arg115Lys)

Gene: IL21 (interleukin 21; minus strand). Cytogenetic location: 4q27.
Variant type: single nucleotide variant.
Coding change: c.344G>A on transcript NM_021803.4 (MANE Select); coding-DNA position 344, G replaced by A.
Protein change: p.Arg115Lys; replaces arginine 115 with lysine.
Molecular consequence: missense variant.
Genome position (GRCh38, 1-based): chr4:122,615,698, C>T on the plus strand (G>A on the coding strand, the complement: IL21 is on the minus strand). VCF-style: chr4-122615698-C-T. GRCh37 (hg19) VCF-style: chr4-123536853-C-T.
Other names: c.344G>A, p.Arg115Lys (NM_001207006.3); short protein forms R115K.
Identifiers: ClinVar variation 4736629 (VCV004736629.1).
Genomic context (GRCh38, chr4:122,615,698, plus strand): 5'-AGTTTATAAGTACAAATAAGAGAGATGACAAATGACAATCTTACTAGTCTGTGTTTCTGT[C>T]TTCTCCCTGCATTTGTGGAAGGTGGTTTCCTCTTCAGCTTTTTAATTGATACATTGATTA-3'
Protein context (NP_068575.1, residues 105-125): RKPPSTNAGR[Arg115Lys]QKHRLTCPSC

ClinVar aggregate classification (germline): Uncertain significance (1 of 4 stars; one submission).

Submission:

Labcorp Genetics (formerly Invitae), Labcorp
Classification: Uncertain significance. Last evaluated: 2026-02-04. Review status: criteria provided, single submitter. Criteria: Invitae Variant Classification Sherloc (09022015). Collection method: clinical testing. Allele origin: germline.
Comment: This sequence change replaces arginine, which is basic and polar, with lysine, which is basic and polar, at codon 115 of the IL21 protein (p.Arg115Lys). This variant is not present in population databases (gnomAD no frequency). This variant has not been reported in the literature in individuals affected with IL21-related conditions. An algorithm developed to predict the effect of missense changes on protein structure and function outputs the following: PolyPhen-2: "Benign". The lysine amino acid residue is found in multiple mammalian species, which suggests that this missense change does not adversely affect protein function. In summary, the available evidence is currently insufficient to determine the role of this variant in disease. Therefore, it has been classified as a Variant of Uncertain Significance.